The following is an entry in ClinVar:

NM_033467.4(MMEL1):c.454+20G>T

Gene: MMEL1 (membrane metalloendopeptidase like 1; minus strand). Cytogenetic location: 1p36.32.
Variant type: single nucleotide variant.
Coding change: c.454+20G>T on transcript NM_033467.4 (MANE Select); 20 bases into the intron after coding-DNA position 454, G replaced by T.
Molecular consequence: intron variant.
Genome position (GRCh38, 1-based): chr1:2,609,650, C>A on the plus strand (G>T on the coding strand, the complement: MMEL1 is on the minus strand). VCF-style: chr1-2609650-C-A. GRCh37 (hg19) VCF-style: chr1-2541089-C-A.
Identifiers: ClinVar variation 4083642 (VCV004083642.8).

ClinVar aggregate classification (germline): Likely benign (1 of 4 stars; one submission).

gnomAD v4.1: 6,499 of 1,596,324 alleles (0.41%); highest among the groups gnomAD compares: Non-Finnish European, 0.5%; 19 homozygotes.

Submission:

CeGaT Center for Human Genetics Tuebingen
Classification: Likely benign. Last evaluated: 2025-10-01. Review status: criteria provided, single submitter. Criteria: CeGaT Center For Human Genetics Tuebingen Variant Classification Criteria Version 2. Collection method: clinical testing. Allele origin: germline. Affected: yes. Observed: 3 variant alleles.
Comment: MMEL1: BS2